The following is an entry in ClinVar:

ClinVar aggregate classification (germline): Pathogenic/Likely pathogenic. Review status: criteria provided, multiple submitters, no conflicts (2 of 4 stars). 2 submissions from 2 submitters: Pathogenic (1); Likely pathogenic (1). Last evaluated 2024-04-03.

Conditions:
3-methylcrotonyl-CoA carboxylase 1 deficiency (MCC1D). Also called: MCCD TYPE 1; METHYLCROTONYLGLYCINURIA TYPE I; MCC 1 deficiency; 3 Alpha methylcrotonylglycinuria 1. Identifiers: Orphanet 6, MedGen CN028786, MONDO:0008861, OMIM 210200.

Submissions (2):

Fulgent Genetics
Classification: Likely pathogenic for 3-methylcrotonyl-CoA carboxylase 1 deficiency. Last evaluated: 2024-04-03. Review status: criteria provided, single submitter. Criteria: ACMG Guidelines, 2015. Collection method: clinical testing. Allele origin: germline.

Labcorp Genetics (formerly Invitae), Labcorp
Classification: Pathogenic for 3-methylcrotonyl-CoA carboxylase 1 deficiency. Last evaluated: 2022-04-21. Review status: criteria provided, single submitter. Criteria: Invitae Variant Classification Sherloc (09022015). Collection method: clinical testing. Allele origin: germline.
Comment: For these reasons, this variant has been classified as Pathogenic. This variant has not been reported in the literature in individuals affected with MCCC1-related conditions. This variant is not present in population databases (gnomAD no frequency). This sequence change creates a premature translational stop signal (p.Asn560Thrfs*3) in the MCCC1 gene. It is expected to result in an absent or disrupted protein product. Loss-of-function variants in MCCC1 are known to be pathogenic (PMID: 11181649, 15359379, 22642865).

Literature cited by the submitters: PubMed 11181649 (cited by Labcorp Genetics (formerly Invitae), Labcorp); PubMed 15359379 (cited by Labcorp Genetics (formerly Invitae), Labcorp); PubMed 22642865 (cited by Labcorp Genetics (formerly Invitae), Labcorp).

NM_020166.5(MCCC1):c.1679del (p.Asn560fs)

Gene: MCCC1 (methylcrotonyl-CoA carboxylase subunit 1; minus strand). Cytogenetic location: 3q27.1.
Variant type: Deletion.
Coding change: c.1679del on transcript NM_020166.5 (MANE Select); coding-DNA position 1679, one base deleted (A; older notation c.1679delA).
Protein change: p.Asn560fs; shifts the reading frame from asparagine 560.
Molecular consequence: frameshift variant. On other transcripts: non-coding transcript variant (2).
Genome position (GRCh38, 1-based): chr3:183,033,993, T deleted on the plus strand (A on the coding strand, the reverse complement: MCCC1 is on the minus strand); the first of 5 consecutive T bases (chr3:183,033,993-183,033,997); deleting any one gives the same sequence. VCF-style (leftmost placement, unchanged base first): chr3-183033992-GT-G. GRCh37 (hg19) VCF-style: chr3-182751780-GT-G.
Other names: c.1328del, p.Asn443fs (NM_001293273.2); c.1352del, p.Asn451fs (NM_001363880.1); short protein forms N560fs, N443fs, N451fs.
Identifiers: ClinVar variation 2120528 (VCV002120528.5), dbSNP rs1394547323, ClinGen allele CA2580069119.